The following is an entry in ClinVar:

NM_021922.3(FANCE):c.743C>T (p.Ala248Val)

Gene: FANCE (FA complementation group E; plus strand). Cytogenetic location: 6p21.31.
Variant type: single nucleotide variant.
Coding change: c.743C>T on transcript NM_021922.3 (MANE Select); coding-DNA position 743, C replaced by T.
Protein change: p.Ala248Val; replaces alanine 248 with valine.
Molecular consequence: missense variant.
Genome position (GRCh38, 1-based): chr6:35,456,241, C>T. VCF-style: chr6-35456241-C-T. GRCh37 (hg19) VCF-style: chr6-35424018-C-T.
Other names: short protein forms A248V.
Identifiers: ClinVar variation 837436 (VCV000837436.7), dbSNP rs1767337048, ClinGen allele CA363773849.

ClinVar aggregate classification (germline): Uncertain significance (1 of 4 stars; one submission).

Conditions:
Fanconi anemia complementation group E (FANCE). Also called: FANCE-Related Fanconi Anemia. Identifiers: Orphanet 84, MedGen C3160739, MONDO:0010953, OMIM 600901.

Allele frequency attached by ClinVar (database versions not stated): gnomAD exomes below 0.00001; TOPMed below 0.00001.
gnomAD v4.1: 4 of 1,614,186 alleles (0.00025%); highest among the groups gnomAD compares: Non-Finnish European, 0.00017%; no homozygotes.

Submission:

Labcorp Genetics (formerly Invitae), Labcorp
Classification: Uncertain significance for Fanconi anemia complementation group E. Last evaluated: 2021-09-01. Review status: criteria provided, single submitter. Criteria: Invitae Variant Classification Sherloc (09022015). Collection method: clinical testing. Allele origin: germline.
Comment: This sequence change replaces alanine with valine at codon 248 of the FANCE protein (p.Ala248Val). The alanine residue is weakly conserved and there is a small physicochemical difference between alanine and valine. This variant is not present in population databases (ExAC no frequency). This variant has not been reported in the literature in individuals affected with FANCE-related conditions. Algorithms developed to predict the effect of missense changes on protein structure and function output the following: SIFT: "Tolerated"; PolyPhen-2: "Benign"; Align-GVGD: "Class C0". The valine amino acid residue is found in multiple mammalian species, which suggests that this missense change does not adversely affect protein function. In summary, the available evidence is currently insufficient to determine the role of this variant in disease. Therefore, it has been classified as a Variant of Uncertain Significance.